The following is an entry in ClinVar:

NM_005068.3(SIM1):c.1205A>G (p.His402Arg)

Genes: SIM1 (SIM bHLH transcription factor 1; minus strand), SIM1-AS1 (SIM1 antisense RNA 1; plus strand). Cytogenetic location: 6q16.3.
Variant type: single nucleotide variant.
Coding change: c.1205A>G on transcript NM_005068.3 (MANE Select); coding-DNA position 1205, A replaced by G.
Protein change: p.His402Arg; replaces histidine 402 with arginine.
Molecular consequence: missense variant. On other transcripts: non-coding transcript variant (1).
Genome position (GRCh38, 1-based): chr6:100,393,852, T>C on the plus strand (A>G on the coding strand, the complement: SIM1 is on the minus strand). VCF-style: chr6-100393852-T-C. GRCh37 (hg19) VCF-style: chr6-100841728-T-C.
Other names: c.1205A>G, p.His402Arg (NM_001374769.1); short protein forms H402R.
Identifiers: ClinVar variation 3357824 (VCV003357824.1).

ClinVar aggregate classification (germline): Uncertain significance (0 of 4 stars; one submission).

Conditions:
SIM1-related disorder. Also called: SIM1-related condition; SIM1-related disorders.

gnomAD v4.1: 4 of 1,594,320 alleles (0.00025%); highest among the groups gnomAD compares: Non-Finnish European, 0.00026%; no homozygotes.

Submission:

PreventionGenetics, part of Exact Sciences
Classification: Uncertain significance for SIM1-related condition. Last evaluated: 2023-11-27. Review status: no assertion criteria provided. Collection method: clinical testing. Allele origin: germline.
Comment: The SIM1 c.1205A>G variant is predicted to result in the amino acid substitution p.His402Arg. To our knowledge, this variant has not been reported in the literature. This variant is reported in 0.00093% of alleles in individuals of European (Non-Finnish) descent in gnomAD. At this time, the clinical significance of this variant is uncertain due to the absence of conclusive functional and genetic evidence.